The following is an entry in ClinVar:

NM_003128.3(SPTBN1):c.4267C>T (p.Gln1423Ter)

Gene: SPTBN1 (spectrin beta, non-erythrocytic 1; plus strand). Cytogenetic location: 2p16.2.
Variant type: single nucleotide variant.
Coding change: c.4267C>T on transcript NM_003128.3 (MANE Select); coding-DNA position 4267, C replaced by T.
Protein change: p.Gln1423Ter; replaces glutamine 1423 with a stop codon.
Molecular consequence: nonsense.
Genome position (GRCh38, 1-based): chr2:54,644,584, C>T. VCF-style: chr2-54644584-C-T. GRCh37 (hg19) VCF-style: chr2-54871721-C-T.
Other names: c.4228C>T, p.Gln1410Ter (NM_178313.3); short protein forms Q1410*, Q1423*.
Identifiers: ClinVar variation 4850810 (VCV004850810.1).

ClinVar aggregate classification (germline): Likely pathogenic (1 of 4 stars; one submission).

Conditions:
Developmental delay, impaired speech, and behavioral abnormalities. Identifiers: MedGen C5561957, MONDO:0859178, OMIM 619475.

Submission:

Variantyx, Inc.
Classification: Likely pathogenic for Developmental delay, impaired speech, and behavioral abnormalities. Last evaluated: 2025-10-24. Review status: criteria provided, single submitter. Criteria: Variantyx Assertion Criteria 2022. Collection method: clinical testing. Allele origin: germline. Inheritance: Autosomal dominant inheritance. Affected: yes.
Comment: This is a nonsense variant in the SPTBN1 gene (OMIM: 182790). Pathogenic variants in this gene have been associated with autosomal dominant developmental delay, impaired speech, and behavioral abnormalities. This variant introduces a premature termination codon in exon20 out of 36 and is expected to result in loss of function, which is a known disease mechanism for SPTBN1 in this disorder (PMID: 33847457, 34211179) (PVS1). This variant is absent from control populations (PM2) and it has not been reported in individuals with SPTBN1-related disorders in the databases available for review. Based on the current evidence, this variant is classified as likely pathogenic for autosomal dominant developmental delay, impaired speech, and behavioral abnormalities. Inheritance from an unaffected or mildly affected parent has been reported in the SPTBN1 gene, consistent with incomplete penetrance and/or variable expressivity (PMID:33847457).

Literature cited by the submitters: PubMed 33847457; PubMed 34211179.